The following is an entry in ClinVar:

ClinVar aggregate classification (germline): Uncertain significance (1 of 4 stars; one submission).

gnomAD v4.1: 1 of 1,614,192 alleles (0.000062%); highest among the groups gnomAD compares: Non-Finnish European, 0.000085%; no homozygotes.

Submission:

Labcorp Genetics (formerly Invitae), Labcorp
Classification: Uncertain significance. Last evaluated: 2025-07-22. Review status: criteria provided, single submitter. Criteria: Invitae Variant Classification Sherloc (09022015). Collection method: clinical testing. Allele origin: germline.
Comment: This sequence change replaces leucine, which is neutral and non-polar, with phenylalanine, which is neutral and non-polar, at codon 858 of the ALPK1 protein (p.Leu858Phe). This variant is not present in population databases (gnomAD no frequency). This variant has not been reported in the literature in individuals affected with ALPK1-related conditions. Invitae Evidence Modeling of protein sequence and biophysical properties (such as structural, functional, and spatial information, amino acid conservation, physicochemical variation, residue mobility, and thermodynamic stability) indicates that this missense variant is not expected to disrupt ALPK1 protein function with a negative predictive value of 80%. In summary, the available evidence is currently insufficient to determine the role of this variant in disease. Therefore, it has been classified as a Variant of Uncertain Significance.

NM_025144.4(ALPK1):c.2572C>T (p.Leu858Phe)

Gene: ALPK1 (alpha kinase 1; plus strand). Cytogenetic location: 4q25.
Variant type: single nucleotide variant.
Coding change: c.2572C>T on transcript NM_025144.4 (MANE Select); coding-DNA position 2572, C replaced by T.
Protein change: p.Leu858Phe; replaces leucine 858 with phenylalanine.
Molecular consequence: missense variant.
Genome position (GRCh38, 1-based): chr4:112,432,119, C>T. VCF-style: chr4-112432119-C-T. GRCh37 (hg19) VCF-style: chr4-113353275-C-T.
Other names: c.2572C>T, p.Leu858Phe (NM_001102406.2); c.2338C>T, p.Leu780Phe (NM_001253884.2); short protein forms L858F, L780F.
Identifiers: ClinVar variation 4692062 (VCV004692062.1).